The following is an entry in ClinVar:

NM_018946.4(NANS):c.452G>T (p.Arg151Leu)

Genes: NANS (N-acetylneuraminate synthase; plus strand), TRIM14 (tripartite motif containing 14; minus strand). Cytogenetic location: 9q22.33.
Variant type: single nucleotide variant.
Coding change: c.452G>T on transcript NM_018946.4 (MANE Select); coding-DNA position 452, G replaced by T.
Protein change: p.Arg151Leu; replaces arginine 151 with leucine.
Molecular consequence: missense variant.
Genome position (GRCh38, 1-based): chr9:98,078,196, G>T. VCF-style: chr9-98078196-G-T. GRCh37 (hg19) VCF-style: chr9-100840478-G-T.
Other names: c.452G>T (NM_018946.3); short protein forms R151L.
Identifiers: ClinVar variation 1432466 (VCV001432466.7), dbSNP rs140402727, ClinGen allele CA5150302.
Genomic context (GRCh38, chr9:98,078,196, plus strand): 5'-GGAGAGTCAGAACCTCTAAAGAGAAAGTGCTGATGGTGTTGGTGCTGGATTACTCAGGTC[G>T]CCCAATGGTGATCTCCAGTGGGATGCAGTCAATGGACACCATGAAGCAAGTTTATCAGAT-3'
Protein context (NP_061819.2, residues 141-161): PYLEKTAKKG[Arg151Leu]PMVISSGMQS

ClinVar aggregate classification (germline): Conflicting classifications of pathogenicity. Review status: criteria provided, conflicting classifications (1 of 4 stars). 3 submissions from 3 submitters: Uncertain significance (2); Likely benign (1). Last evaluated 2025-10-01.

Conditions:
Inborn genetic diseases. Identifiers: MedGen C0950123, MeSH D030342.

Allele frequency attached by ClinVar (database versions not stated): ExAC 0.00015; ESP Exome Variant Server 0.00031; 1000 Genomes Project 0.00060; 1000 Genomes Project 30x 0.00062.
gnomAD v4.1: 120 of 1,614,132 alleles (0.0074%); highest among the groups gnomAD compares: African/African-American, 0.16%; no homozygotes.

Submissions (3):

Labcorp Genetics (formerly Invitae), Labcorp
Classification: Uncertain significance. Last evaluated: 2025-10-01. Review status: criteria provided, single submitter. Criteria: Invitae Variant Classification Sherloc (09022015). Collection method: clinical testing. Allele origin: germline.
Comment: This sequence change replaces arginine, which is basic and polar, with leucine, which is neutral and non-polar, at codon 151 of the NANS protein (p.Arg151Leu). This variant is present in population databases (rs140402727, gnomAD 0.2%). This variant has not been reported in the literature in individuals affected with NANS-related conditions. ClinVar contains an entry for this variant (Variation ID: 1432466). An algorithm developed to predict the effect of missense changes on protein structure and function (PolyPhen-2) suggests that this variant is likely to be tolerated. In summary, the available evidence is currently insufficient to determine the role of this variant in disease. Therefore, it has been classified as a Variant of Uncertain Significance.

Blueprint Genetics
Classification: Uncertain significance. Last evaluated: 2023-07-04. Review status: criteria provided, single submitter. Criteria: ACMG Guidelines, 2015. Collection method: clinical testing. Allele origin: germline.

Ambry Genetics
Classification: Likely benign for Inborn genetic diseases. Last evaluated: 2022-01-03. Review status: criteria provided, single submitter. Criteria: Ambry Variant Classification Scheme 2023. Collection method: clinical testing. Allele origin: germline.